The following is an entry in ClinVar:

ClinVar aggregate classification (germline): Likely benign (1 of 4 stars; one submission).

Submission:

CeGaT Center for Human Genetics Tuebingen
Classification: Likely benign. Last evaluated: 2026-03-01. Review status: criteria provided, single submitter. Criteria: CeGaT Center For Human Genetics Tuebingen Variant Classification Criteria Version 2. Collection method: clinical testing. Allele origin: germline. Affected: yes. Observed: 4 variant alleles.
Comment: KLF18: BP4, BP7

NM_001358438.1(KLF18):c.1290T>C (p.Cys430=)

Gene: KLF18 (KLF transcription factor 18; minus strand). Cytogenetic location: 1p34.1.
Variant type: single nucleotide variant.
Coding change: c.1290T>C on transcript NM_001358438.1 (MANE Select); coding-DNA position 1290, T replaced by C.
Protein change: p.Cys430=; no amino-acid change (cysteine 430 retained).
Molecular consequence: synonymous variant.
Genome position (GRCh38, 1-based): chr1:44,140,342, A>G on the plus strand (T>C on the coding strand, the complement: KLF18 is on the minus strand). VCF-style: chr1-44140342-A-G. GRCh37 (hg19) VCF-style: chr1-44606014-A-G.
Identifiers: ClinVar variation 2638771 (VCV002638771.24), dbSNP rs1329149442, ClinGen allele CA736046701.